The following is an entry in ClinVar:

NM_000138.5(FBN1):c.1138A>T (p.Arg380Ter)

Genes: FBN1 (fibrillin 1; minus strand), LOC113939944 (Sharpr-MPRA regulatory region 9539; plus strand). Cytogenetic location: 15q21.1.
Variant type: single nucleotide variant.
Coding change: c.1138A>T on transcript NM_000138.5 (MANE Select); coding-DNA position 1138, A replaced by T.
Protein change: p.Arg380Ter; replaces arginine 380 with a stop codon.
Molecular consequence: nonsense.
Genome position (GRCh38, 1-based): chr15:48,520,668, T>A on the plus strand (A>T on the coding strand, the complement: FBN1 is on the minus strand). VCF-style: chr15-48520668-T-A. GRCh37 (hg19) VCF-style: chr15-48812865-T-A.
Other names: short protein forms R380*.
Identifiers: ClinVar variation 583096 (VCV000583096.6), dbSNP rs1566917979, ClinGen allele CA392347038.

ClinVar aggregate classification (germline): Pathogenic (1 of 4 stars; one submission).

Conditions:
Familial thoracic aortic aneurysm and aortic dissection (TAAD). Also called: Thoracic aortic aneurysms and dissections. Identifiers: Orphanet 91387, MedGen C4707243, MONDO:0019625.
Marfan syndrome (MFS). Also called: FBN1-Related Marfan Syndrome; Marfan syndrome type 1; Marfan's syndrome; Marfan syndrome, classic; MARFAN SYNDROME, TYPE I. Identifiers: Orphanet 284963, Orphanet 558, MedGen C0024796, MONDO:0007947, OMIM 154700.

Submission:

Labcorp Genetics (formerly Invitae), Labcorp
Classification: Pathogenic for Marfan syndrome; Familial thoracic aortic aneurysm and aortic dissection. Last evaluated: 2018-03-08. Review status: criteria provided, single submitter. Criteria: Invitae Variant Classification Sherloc (09022015). Collection method: clinical testing. Allele origin: germline.
Comment: For these reasons, this variant has been classified as Pathogenic. Loss-of-function variants in FBN1 are known to be pathogenic (PMID: 17657824, 19293843). This variant has not been reported in the literature in individuals with FBN1-related disease. This variant is not present in population databases (ExAC no frequency). This sequence change creates a premature translational stop signal (p.Arg380*) in the FBN1 gene. It is expected to result in an absent or disrupted protein product.

Literature cited by the submitters: PubMed 17657824; PubMed 19293843.